The following is an entry in ClinVar:

NM_000218.3(KCNQ1):c.915G>A (p.Trp305Ter)

Gene: KCNQ1 (potassium voltage-gated channel subfamily Q member 1; plus strand). Cytogenetic location: 11p15.5.
Variant type: single nucleotide variant.
Coding change: c.915G>A on transcript NM_000218.3 (MANE Select); coding-DNA position 915, G replaced by A.
Protein change: p.Trp305Ter; replaces tryptophan 305 with a stop codon.
Molecular consequence: nonsense.
Genome position (GRCh38, 1-based): chr11:2,572,980, G>A. VCF-style: chr11-2572980-G-A. GRCh37 (hg19) VCF-style: chr11-2594210-G-A.
Other names: c.915G>A, p.Trp305Ter (NM_001406836.1); c.645G>A, p.Trp215Ter (NM_001406837.1); c.534G>A, p.Trp178Ter (NM_181798.2); short protein forms W178*, W215*, W305*.
Identifiers: ClinVar variation 2440959 (VCV002440959.18), dbSNP rs1488745091, ClinGen allele CA379131772.

ClinVar aggregate classification (germline): Pathogenic/Likely pathogenic. Review status: criteria provided, multiple submitters, no conflicts (2 of 4 stars). 3 submissions from 3 submitters: Pathogenic (2); Likely pathogenic (1). Last evaluated 2024-11-01.

Conditions:
Long QT syndrome 1 (LQT1). Identifiers: Orphanet 101016, Orphanet 768, MedGen C4551647, MONDO:0100316, OMIM 192500, MONDO:0008646.

Allele frequency attached by ClinVar (database versions not stated): gnomAD exomes below 0.00001.
gnomAD v4.1: 1 of 1,613,120 alleles (0.000062%); highest among the groups gnomAD compares: East Asian, 0.0022%; no homozygotes.

Submissions (3):

CeGaT Center for Human Genetics Tuebingen
Classification: Pathogenic. Last evaluated: 2024-11-01. Review status: criteria provided, single submitter. Criteria: CeGaT Center For Human Genetics Tuebingen Variant Classification Criteria Version 2. Collection method: clinical testing. Allele origin: germline. Affected: yes. Observed: 1 variant allele.
Comment: KCNQ1: PVS1, PM2, PS4:Moderate

Revvity Omics, Revvity
Classification: Likely pathogenic. Last evaluated: 2022-11-11. Review status: criteria provided, single submitter. Criteria: ACMG Guidelines, 2015. Collection method: clinical testing. Allele origin: germline.

Clinical Genetics Service, Universitary Hospital 12 de Octubre
Classification: Pathogenic for Long QT syndrome 1. Review status: criteria provided, single submitter. Criteria: ACMG Guidelines, 2015. Collection method: clinical testing. Allele origin: paternal. Affected: yes.